The following is an entry in ClinVar:

ClinVar aggregate classification (germline): Likely pathogenic (1 of 4 stars; one submission).

Conditions:
Frontotemporal dementia (FTD1). Also called: Frontotemporal lobe dementia (FLDEM); Frontotemporal Dementia with Parkinsonism-17 (FTDP-17); FRONTOTEMPORAL DEMENTIA WITH PARKINSONISM; FRONTOTEMPORAL LOBE DEMENTIA; MULTIPLE SYSTEM TAUOPATHY WITH PRESENILE DEMENTIA; WILHELMSEN-LYNCH DISEASE. Identifiers: Orphanet 282, MedGen C0338451, MONDO:0017276, OMIM 600274, HP:0002145.

Submission:

Human Genetics Group at Institute of Prion Diseases London, University College London
Classification: Likely pathogenic for Frontotemporal dementia. Last evaluated: 2017-02-01. Review status: criteria provided, single submitter. Criteria: Koriath et al. 2018. Collection method: research. Allele origin: unknown. Affected: yes. Observed: 1 variant allele.
Comment: not on exac, not on google. Deletion slightly earlier in the gene has been described to cause young onset neurodegeneration, but insufficient information about exon 11. CADD phred 22.8

Confirmed by Sanger sequencing

NP_002078.1(GRN):p.Ser449_Thr455del

Gene: GRN (granulin precursor; plus strand). Cytogenetic location: 17q21.31.
Variant type: protein only.
Identifiers: ClinVar variation 617461 (VCV000617461.1).